The following is an entry in ClinVar:

NM_001083961.2(WDR62):c.2697G>A (p.Leu899=)

Gene: WDR62 (WD repeat domain 62; plus strand). Cytogenetic location: 19q13.12.
Variant type: single nucleotide variant.
Coding change: c.2697G>A on transcript NM_001083961.2 (MANE Select); coding-DNA position 2697, G replaced by A.
Protein change: p.Leu899=; no amino-acid change (leucine 899 retained).
Molecular consequence: synonymous variant.
Genome position (GRCh38, 1-based): chr19:36,099,575, G>A. VCF-style: chr19-36099575-G-A. GRCh37 (hg19) VCF-style: chr19-36590477-G-A.
Other names: c.2682G>A, p.Leu894= (NM_001411145.1); c.2697G>A, p.Leu899= (NM_001411146.1, NM_173636.5); c.2346G>A, p.Leu782= (NM_001411147.1).
Identifiers: ClinVar variation 2005467 (VCV002005467.17), dbSNP rs951707018, ClinGen allele CA307841267.

ClinVar aggregate classification (germline): Likely benign. Review status: criteria provided, multiple submitters, no conflicts (2 of 4 stars). 2 submissions from 2 submitters: Likely benign (2). Last evaluated 2024-12-01.

Allele frequency attached by ClinVar (database versions not stated): TOPMed below 0.00001; gnomAD 0.00001.
gnomAD v4.1: 2 of 1,614,110 alleles (0.00012%); highest among the groups gnomAD compares: Non-Finnish European, 0.00017%; no homozygotes.

Submissions (2):

CeGaT Center for Human Genetics Tuebingen
Classification: Likely benign. Last evaluated: 2024-12-01. Review status: criteria provided, single submitter. Criteria: CeGaT Center For Human Genetics Tuebingen Variant Classification Criteria Version 2. Collection method: clinical testing. Allele origin: germline. Affected: yes. Observed: 1 variant allele.
Comment: WDR62: BP4, BP7

Labcorp Genetics (formerly Invitae), Labcorp
Classification: Likely benign. Last evaluated: 2022-06-13. Review status: criteria provided, single submitter. Criteria: Invitae Variant Classification Sherloc (09022015). Collection method: clinical testing. Allele origin: germline.